The following is an entry in ClinVar:

ClinVar aggregate classification (germline): Uncertain significance (1 of 4 stars; one submission).

Submission:

Labcorp Genetics (formerly Invitae), Labcorp
Classification: Uncertain significance. Last evaluated: 2024-11-29. Review status: criteria provided, single submitter. Criteria: Invitae Variant Classification Sherloc (09022015). Collection method: clinical testing. Allele origin: germline.
Comment: This sequence change replaces glycine, which is neutral and non-polar, with cysteine, which is neutral and slightly polar, at codon 466 of the FLNB protein (p.Gly466Cys). This variant is not present in population databases (gnomAD no frequency). This variant has not been reported in the literature in individuals affected with FLNB-related conditions. Invitae Evidence Modeling of protein sequence and biophysical properties (such as structural, functional, and spatial information, amino acid conservation, physicochemical variation, residue mobility, and thermodynamic stability) indicates that this missense variant is expected to disrupt FLNB protein function with a positive predictive value of 80%. In summary, the available evidence is currently insufficient to determine the role of this variant in disease. Therefore, it has been classified as a Variant of Uncertain Significance.

NM_001457.4(FLNB):c.1396G>T (p.Gly466Cys)

Gene: FLNB (filamin B; plus strand). Cytogenetic location: 3p14.3.
Variant type: single nucleotide variant.
Coding change: c.1396G>T on transcript NM_001457.4 (MANE Select); coding-DNA position 1396, G replaced by T.
Protein change: p.Gly466Cys; replaces glycine 466 with cysteine.
Molecular consequence: missense variant.
Genome position (GRCh38, 1-based): chr3:58,102,253, G>T. VCF-style: chr3-58102253-G-T. GRCh37 (hg19) VCF-style: chr3-58087980-G-T.
Other names: c.1396G>T, p.Gly466Cys (NM_001164317.2, NM_001164318.2, NM_001164319.2); short protein forms G466C.
Identifiers: ClinVar variation 3635701 (VCV003635701.2).